The following is an entry in ClinVar:

ClinVar aggregate classification (germline): Uncertain significance. Review status: criteria provided, multiple submitters, no conflicts (2 of 4 stars). 2 submissions from 2 submitters: Uncertain significance (2). Last evaluated 2023-11-30.

Conditions:
Charcot-Marie-Tooth disease type 2. Also called: Charcot-Marie-Tooth type 2. Identifiers: Orphanet 64746, MedGen C0270914, MONDO:0018993.

Allele frequency attached by ClinVar (database versions not stated): gnomAD 0.00001; TOPMed 0.00001.
gnomAD v4.1: 1 of 1,613,272 alleles (0.000062%); highest among the groups gnomAD compares: African/African-American, 0.0013%; no homozygotes.

Submissions (2):

Ambry Genetics
Classification: Uncertain significance. Last evaluated: 2023-11-30. Review status: criteria provided, single submitter. Criteria: Ambry Variant Classification Scheme 2023. Collection method: clinical testing. Allele origin: germline.
Comment: The p.N543D variant (also known as c.1627A>G), located in coding exon 16 of the KIF1B gene, results from an A to G substitution at nucleotide position 1627. The asparagine at codon 543 is replaced by aspartic acid, an amino acid with highly similar properties. This amino acid position is not well conserved in available vertebrate species. In addition, this alteration is predicted to be tolerated by in silico analysis. Since supporting evidence is limited at this time, the clinical significance of this alteration remains unclear.

Labcorp Genetics (formerly Invitae), Labcorp
Classification: Uncertain significance for Charcot-Marie-Tooth disease type 2. Last evaluated: 2019-02-24. Review status: criteria provided, single submitter. Criteria: Invitae Variant Classification Sherloc (09022015). Collection method: clinical testing. Allele origin: germline.
Comment: This sequence change replaces asparagine with aspartic acid at codon 543 of the KIF1B protein (p.Asn543Asp). The asparagine residue is weakly conserved and there is a small physicochemical difference between asparagine and aspartic acid. This variant is not present in population databases (ExAC no frequency). This variant has not been reported in the literature in individuals with KIF1B-related conditions. Algorithms developed to predict the effect of missense changes on protein structure and function output the following: SIFT: "Tolerated"; PolyPhen-2: "Benign"; Align-GVGD: "Class C0". The aspartic acid amino acid residue is found in multiple mammalian species, suggesting that this missense change does not adversely affect protein function. These predictions have not been confirmed by published functional studies and their clinical significance is uncertain. In summary, the available evidence is currently insufficient to determine the role of this variant in disease. Therefore, it has been classified as a Variant of Uncertain Significance.

NM_001365951.3(KIF1B):c.1765A>G (p.Asn589Asp)

Gene: KIF1B (kinesin family member 1B; plus strand). Cytogenetic location: 1p36.22.
Variant type: single nucleotide variant.
Coding change: c.1765A>G on transcript NM_001365951.3 (MANE Select); coding-DNA position 1765, A replaced by G.
Protein change: p.Asn589Asp; replaces asparagine 589 with aspartic acid.
Molecular consequence: missense variant.
Genome position (GRCh38, 1-based): chr1:10,295,754, A>G. VCF-style: chr1-10295754-A-G. GRCh37 (hg19) VCF-style: chr1-10355812-A-G.
Other names: c.1765A>G, p.Asn589Asp (NM_001365952.1); c.1627A>G, p.Asn543Asp (NM_001365953.1, NM_015074.3, NM_183416.4); short protein forms N543D, N589D.
Identifiers: ClinVar variation 864288 (VCV000864288.12), dbSNP rs1415991152, ClinGen allele CA338315205.